The following is an entry in ClinVar:

NM_005142.3(CBLIF):c.749C>T (p.Thr250Met)

Gene: CBLIF (cobalamin binding intrinsic factor; minus strand). Cytogenetic location: 11q12.1.
Variant type: single nucleotide variant.
Coding change: c.749C>T on transcript NM_005142.3 (MANE Select); coding-DNA position 749, C replaced by T.
Protein change: p.Thr250Met; replaces threonine 250 with methionine.
Molecular consequence: missense variant.
Genome position (GRCh38, 1-based): chr11:59,837,296, G>A on the plus strand (C>T on the coding strand, the complement: CBLIF is on the minus strand). VCF-style: chr11-59837296-G-A. GRCh37 (hg19) VCF-style: chr11-59604769-G-A.
Other names: c.749C>T (NM_005142.2); short protein forms T250M.
Identifiers: ClinVar variation 2085122 (VCV002085122.3), dbSNP rs542431882, ClinGen allele CA6021485.

ClinVar aggregate classification (germline): Conflicting classifications of pathogenicity. Review status: criteria provided, conflicting classifications (1 of 4 stars). 2 submissions from 2 submitters: Uncertain significance (1); Likely benign (1). Last evaluated 2025-10-27.

Conditions:
Hereditary intrinsic factor deficiency (IFD). Also called: PERNICIOUS ANEMIA, CONGENITAL, DUE TO DEFECT OF INTRINSIC FACTOR; Congenital intrinsic factor deficiency. Identifiers: Orphanet 332, MedGen C2062370, MONDO:0009852, OMIM 261000.

Allele frequency attached by ClinVar (database versions not stated): gnomAD 0.00009; 1000 Genomes Project 0.00020; 1000 Genomes Project 30x 0.00031.

Submissions (2):

Labcorp Genetics (formerly Invitae), Labcorp
Classification: Uncertain significance for Hereditary intrinsic factor deficiency. Last evaluated: 2025-10-27. Review status: criteria provided, single submitter. Criteria: Invitae Variant Classification Sherloc (09022015). Collection method: clinical testing. Allele origin: germline.
Comment: This sequence change replaces threonine, which is neutral and polar, with methionine, which is neutral and non-polar, at codon 250 of the GIF protein (p.Thr250Met). This variant is present in population databases (rs542431882, gnomAD 0.07%). This variant has not been reported in the literature in individuals affected with GIF-related conditions. ClinVar contains an entry for this variant (Variation ID: 2085122). Invitae Evidence Modeling of protein sequence and biophysical properties (such as structural, functional, and spatial information, amino acid conservation, physicochemical variation, residue mobility, and thermodynamic stability) indicates that this missense variant is not expected to disrupt GIF protein function with a negative predictive value of 80%. In summary, the available evidence is currently insufficient to determine the role of this variant in disease. Therefore, it has been classified as a Variant of Uncertain Significance.

Ambry Genetics
Classification: Likely benign. Last evaluated: 2024-05-29. Review status: criteria provided, single submitter. Criteria: Ambry Variant Classification Scheme 2023. Collection method: clinical testing. Allele origin: germline.